The following is an entry in ClinVar:

NM_152713.5(STT3A):c.1365+8G>A

Gene: STT3A (STT3 oligosaccharyltransferase complex catalytic subunit A; plus strand). Cytogenetic location: 11q24.2.
Variant type: single nucleotide variant.
Coding change: c.1365+8G>A on transcript NM_152713.5 (MANE Select); 8 bases into the intron after coding-DNA position 1365, G replaced by A.
Molecular consequence: intron variant.
Genome position (GRCh38, 1-based): chr11:125,612,755, G>A. VCF-style: chr11-125612755-G-A. GRCh37 (hg19) VCF-style: chr11-125482650-G-A.
Other names: c.1365+8G>A (NM_001278503.2); c.1089+8G>A (NM_001278504.2).
Identifiers: ClinVar variation 380016 (VCV000380016.11), dbSNP rs80101840, ClinGen allele CA6349044.
Genomic context (GRCh38, chr11:125,612,755, plus strand): 5'-CAGACAAGAAGAGCAAGAAGCAACAGGATTCCACCTACCCTATTAAGAATGAAGTGAGAA[G>A]CAATGTTAAGAGTAGACTTGGGAAACTCTGTGTGTGTGTGTGTATGTGTGTATGTGGGCA-3'

ClinVar aggregate classification (germline): Benign. Review status: criteria provided, multiple submitters, no conflicts (2 of 4 stars). 3 submissions from 3 submitters: Benign (3). Last evaluated 2026-02-01.

Allele frequency attached by ClinVar (database versions not stated): gnomAD exomes 0.06243 and 0.05633; gnomAD 0.06821 and 0.07147; TOPMed 0.07192; ESP Exome Variant Server 0.07569; 1000 Genomes Project 0.05751; ExAC 0.05981; 1000 Genomes Project 30x 0.06012.
gnomAD v4.1: 102,007 of 1,613,034 alleles (6.3%); highest among the groups gnomAD compares: Middle Eastern, 11%; 3,571 homozygotes.

Submissions (3):

Labcorp Genetics (formerly Invitae), Labcorp
Classification: Benign. Last evaluated: 2026-02-01. Review status: criteria provided, single submitter. Criteria: Invitae Variant Classification Sherloc (09022015). Collection method: clinical testing. Allele origin: germline.

GeneDx
Classification: Benign. Last evaluated: 2015-12-21. Review status: criteria provided, single submitter. Criteria: GeneDx Variant Classification (06012015). Collection method: clinical testing. Allele origin: germline. Affected: yes.
Comment: This variant is considered likely benign or benign based on one or more of the following criteria: it is a conservative change, it occurs at a poorly conserved position in the protein, it is predicted to be benign by multiple in silico algorithms, and/or has population frequency not consistent with disease.

Breakthrough Genomics
Classification: Benign. Review status: criteria provided, single submitter. Criteria: ACMG Guidelines, 2015. Collection method: not provided. Allele origin: germline. Inheritance: Autosomal recessive inheritance. Affected: yes.